The following is an entry in ClinVar:

NM_001197104.2(KMT2A):c.312C>T (p.Ala104=)

Gene: KMT2A (lysine methyltransferase 2A; plus strand). Cytogenetic location: 11q23.3.
Variant type: single nucleotide variant.
Coding change: c.312C>T on transcript NM_001197104.2 (MANE Select); coding-DNA position 312, C replaced by T.
Protein change: p.Ala104=; no amino-acid change (alanine 104 retained).
Molecular consequence: synonymous variant.
Genome position (GRCh38, 1-based): chr11:118,436,824, C>T. VCF-style: chr11-118436824-C-T. GRCh37 (hg19) VCF-style: chr11-118307539-C-T.
Other names: c.312C>T, p.Ala104= (NM_001412597.1, NM_005933.4).
Identifiers: ClinVar variation 3256978 (VCV003256978.17).

ClinVar aggregate classification (germline): Likely benign (1 of 4 stars; one submission).

gnomAD v4.1: 1 of 1,608,514 alleles (0.000062%); highest among the groups gnomAD compares: Non-Finnish European, 0.000085%; no homozygotes.

Submission:

CeGaT Center for Human Genetics Tuebingen
Classification: Likely benign. Last evaluated: 2024-07-01. Review status: criteria provided, single submitter. Criteria: CeGaT Center For Human Genetics Tuebingen Variant Classification Criteria Version 2. Collection method: clinical testing. Allele origin: germline. Affected: yes. Observed: 1 variant allele.
Comment: KMT2A: PM2:Supporting, BP4, BP7